The following is an entry in ClinVar:

NM_020442.6(VARS2):c.2713C>T (p.Arg905Trp)

Gene: VARS2 (valyl-tRNA synthetase 2, mitochondrial; plus strand). Cytogenetic location: 6p21.33.
Variant type: single nucleotide variant.
Coding change: c.2713C>T on transcript NM_020442.6 (MANE Select); coding-DNA position 2713, C replaced by T.
Protein change: p.Arg905Trp; replaces arginine 905 with tryptophan.
Molecular consequence: missense variant.
Genome position (GRCh38, 1-based): chr6:30,925,313, C>T. VCF-style: chr6-30925313-C-T. GRCh37 (hg19) VCF-style: chr6-30893090-C-T.
Other names: c.2293C>T, p.Arg765Trp (NM_001167733.3); c.2803C>T, p.Arg935Trp (NM_001167734.2); c.2803C>T (NM_001167734.1); short protein forms R765W, R905W, R935W.
Identifiers: ClinVar variation 1990474 (VCV001990474.2), dbSNP rs745611855, ClinGen allele CA3706360.

ClinVar aggregate classification (germline): Uncertain significance. Review status: criteria provided, multiple submitters, no conflicts (2 of 4 stars). 2 submissions from 2 submitters: Uncertain significance (2). Last evaluated 2025-01-16.

Conditions:
Inborn genetic diseases. Identifiers: MedGen C0950123, MeSH D030342.

Allele frequency attached by ClinVar (database versions not stated): gnomAD exomes 0.00001; TOPMed 0.00002; ExAC 0.00003.
gnomAD v4.1: 22 of 1,612,576 alleles (0.0014%); highest among the groups gnomAD compares: East Asian, 0.0089%; no homozygotes.

Submissions (2):

Ambry Genetics
Classification: Uncertain significance for Inborn genetic diseases. Last evaluated: 2025-01-16. Review status: criteria provided, single submitter. Criteria: Ambry Variant Classification Scheme 2023. Collection method: clinical testing. Allele origin: germline.

Labcorp Genetics (formerly Invitae), Labcorp
Classification: Uncertain significance. Last evaluated: 2022-08-19. Review status: criteria provided, single submitter. Criteria: Invitae Variant Classification Sherloc (09022015). Collection method: clinical testing. Allele origin: germline.
Comment: This sequence change replaces arginine, which is basic and polar, with tryptophan, which is neutral and slightly polar, at codon 935 of the VARS2 protein (p.Arg935Trp). This variant is present in population databases (rs745611855, gnomAD 0.02%). This variant has not been reported in the literature in individuals affected with VARS2-related conditions. Algorithms developed to predict the effect of missense changes on protein structure and function are either unavailable or do not agree on the potential impact of this missense change (SIFT: "Deleterious"; PolyPhen-2: "Possibly Damaging"; Align-GVGD: "Class C0"). In summary, the available evidence is currently insufficient to determine the role of this variant in disease. Therefore, it has been classified as a Variant of Uncertain Significance.